The following is an entry in ClinVar:

NM_001035.3(RYR2):c.769C>T (p.Arg257Trp)

Gene: RYR2 (ryanodine receptor 2; plus strand). Cytogenetic location: 1q43.
Variant type: single nucleotide variant.
Coding change: c.769C>T on transcript NM_001035.3 (MANE Select); coding-DNA position 769, C replaced by T.
Protein change: p.Arg257Trp; replaces arginine 257 with tryptophan.
Molecular consequence: missense variant.
Genome position (GRCh38, 1-based): chr1:237,388,179, C>T. VCF-style: chr1-237388179-C-T. GRCh37 (hg19) VCF-style: chr1-237551479-C-T.
Other names: c.769C>T (NM_001035.2); short protein forms R257W.
Identifiers: ClinVar variation 925111 (VCV000925111.12), dbSNP rs750477551, ClinGen allele CA087453.

ClinVar aggregate classification (germline): Uncertain significance. Review status: criteria provided, multiple submitters, no conflicts (2 of 4 stars). 5 submissions from 5 submitters: Uncertain significance (5). Last evaluated 2026-01-24.

Conditions:
Cardiovascular phenotype. Identifiers: MedGen CN230736.
Catecholaminergic polymorphic ventricular tachycardia (CVPT). Also called: Catecholamine-induced polymorphic ventricular tachycardia. Identifiers: Orphanet 3286, MedGen C5574922, MONDO:0017990.
Cardiomyopathy (CMYO). Also called: Cardiomyopathies. Identifiers: Orphanet 167848, MedGen C0878544, MONDO:0004994, HP:0001638. Inheritance: Various modes of inheritance.
Catecholaminergic polymorphic ventricular tachycardia 1. Also called: VENTRICULAR TACHYCARDIA, CATECHOLAMINERGIC POLYMORPHIC, 1, WITH OR WITHOUT ATRIAL DYSFUNCTION AND/OR DILATED CARDIOMYOPATHY; RYR2-Related Catecholaminergic Polymorphic Ventricular Tachycardia; VENTRICULAR TACHYCARDIA, STRESS-INDUCED POLYMORPHIC 1. Identifiers: Orphanet 3286, MedGen C1631597, MONDO:0011484, OMIM 604772.

Allele frequency attached by ClinVar (database versions not stated): gnomAD 0.00001; gnomAD exomes 0.00001; TOPMed 0.00001; ExAC 0.00002.

Submissions (5):

Labcorp Genetics (formerly Invitae), Labcorp
Classification: Uncertain significance for Catecholaminergic polymorphic ventricular tachycardia 1. Last evaluated: 2026-01-24. Review status: criteria provided, single submitter. Criteria: Invitae Variant Classification Sherloc (09022015). Collection method: clinical testing. Allele origin: germline.
Comment: This sequence change replaces arginine, which is basic and polar, with tryptophan, which is neutral and slightly polar, at codon 257 of the RYR2 protein (p.Arg257Trp). This variant is present in population databases (rs750477551, gnomAD 0.003%). This variant has not been reported in the literature in individuals affected with RYR2-related conditions. ClinVar contains an entry for this variant (Variation ID: 925111). Invitae Evidence Modeling of protein sequence and biophysical properties (such as structural, functional, and spatial information, amino acid conservation, physicochemical variation, residue mobility, and thermodynamic stability) indicates that this missense variant is not expected to disrupt RYR2 protein function with a negative predictive value of 95%. In summary, the available evidence is currently insufficient to determine the role of this variant in disease. Therefore, it has been classified as a Variant of Uncertain Significance.

Ambry Genetics
Classification: Uncertain significance for Cardiovascular phenotype. Last evaluated: 2025-11-05. Review status: criteria provided, single submitter. Criteria: Ambry Variant Classification Scheme 2023. Collection method: clinical testing. Allele origin: germline.
Comment: The p.R257W variant (also known as c.769C>T), located in coding exon 10 of the RYR2 gene, results from a C to T substitution at nucleotide position 769. The arginine at codon 257 is replaced by tryptophan, an amino acid with dissimilar properties. This amino acid position is highly conserved in available vertebrate species. In addition, the in silico prediction for this alteration is inconclusive. Based on the available evidence, the clinical significance of this variant remains unclear.

All of Us Research Program, National Institutes of Health
Classification: Uncertain significance for Catecholaminergic polymorphic ventricular tachycardia. Last evaluated: 2023-12-18. Review status: criteria provided, single submitter. Criteria: ACMG Guidelines, 2015. Collection method: clinical testing. Allele origin: germline. Inheritance: Autosomal dominant inheritance. Observed: 1 variant allele, 1 heterozygote.
Comment: This missense variant replaces arginine with tryptophan at codon 257 of the RYR2 protein. Computational prediction suggests that this variant may have deleterious impact on protein structure and function (internally defined REVEL score threshold >= 0.7, PMID: 27666373). To our knowledge, functional studies have not been reported for this variant. This variant has not been reported in individuals affected with RYR2-related disorders in the literature. This variant has been identified in 3/248188 chromosomes in the general population by the Genome Aggregation Database (gnomAD). The available evidence is insufficient to determine the role of this variant in disease conclusively. Therefore, this variant is classified as a Variant of Uncertain Significance.

This study involves interpretation of variants in research participants for the purpose of population health screening. Participant phenotype was not available at the time of variant classification. Additional details can be found in publication PMID: 35346344, PMCID: PMC8962531

Color Diagnostics, LLC DBA Color Health
Classification: Uncertain significance for Cardiomyopathy. Last evaluated: 2023-10-19. Review status: criteria provided, single submitter. Criteria: ACMG Guidelines, 2015. Collection method: clinical testing. Allele origin: germline.
Comment: This missense variant replaces arginine with tryptophan at codon 257 of the RYR2 protein. Computational prediction suggests that this variant may have deleterious impact on protein structure and function (internally defined REVEL score threshold >= 0.7, PMID: 27666373). To our knowledge, functional studies have not been reported for this variant. This variant has not been reported in individuals affected with RYR2-related disorders in the literature. This variant has been identified in 3/248188 chromosomes in the general population by the Genome Aggregation Database (gnomAD). The available evidence is insufficient to determine the role of this variant in disease conclusively. Therefore, this variant is classified as a Variant of Uncertain Significance.

AiLife Diagnostics
Classification: Uncertain significance. Last evaluated: 2022-02-13. Review status: criteria provided, single submitter. Criteria: ACMG Guidelines, 2015. Collection method: clinical testing. Allele origin: germline. Affected: yes. Observed: 1 variant allele.